The following is an entry in ClinVar:

ClinVar aggregate classification (germline): Uncertain significance (1 of 4 stars; one submission).

Conditions:
Cardiomyopathy (CMYO). Also called: Cardiomyopathies. Identifiers: Orphanet 167848, MedGen C0878544, MONDO:0004994, HP:0001638. Inheritance: Various modes of inheritance.

Submission:

Color Diagnostics, LLC DBA Color Health
Classification: Uncertain significance for Cardiomyopathy. Last evaluated: 2019-11-27. Review status: criteria provided, single submitter. Criteria: ACMG Guidelines, 2015. Collection method: clinical testing. Allele origin: germline.
Comment: This variant replaces two nucleotides at the +8 and +9 positions in intron 6 of the TNNT2 gene with an additional 60 nucleotides sequence. The c.153_169+1 sequence from exon 6 (AGCAAAGGAGGCTGAAGG) is repeated three times in the inserted sequence. To our knowledge, functional studies have not been performed for this variant. This variant has not been reported in individuals affected with cardiovascular disorders in the literature. This variant has not been identified in the general population by the Genome Aggregation Database (gnomAD). The available evidence is insufficient to determine the role of this variant in disease conclusively. Therefore, this variant is classified as a Variant of Uncertain Significance.

NM_001276345.2(TNNT2):c.199+8_199+9delinsAGCAAAGGAGGCTGAAGGAAGCAAAGGAGGCTGAAGGAAGCAAAGGAGGCTGAAGGTACC

Gene: TNNT2 (troponin T2, cardiac type; minus strand). Cytogenetic location: 1q32.1.
Variant type: Indel.
Coding change: c.199+8_199+9delinsAGCAAAGGAGGCTGAAGGAAGCAAAGGAGGCTGAAGGAAGCAAAGGAGGCTGAAGGTACC on transcript NM_001276345.2 (MANE Select); bases 8 to 9 of the intron after coding-DNA position 199, the reference bases replaced by an inserted sequence.
Molecular consequence: intron variant.
Genome position (GRCh38, 1-based): chr1:201,367,762-201,367,763, 2 bases replaced. GRCh37 (hg19): chr1:201,336,890-201,336,891.
Other names: c.154+8_154+9delinsAGCAAAGGAGGCTGAAGGAAGCAAAGGAGGCTGAAGGAAGCAAAGGAGGCTGAAGGTACC (NM_001001432.3); c.169+8_169+9delinsAGCAAAGGAGGCTGAAGGAAGCAAAGGAGGCTGAAGGAAGCAAAGGAGGCTGAAGGTACC (NM_001001431.3, NM_001001430.3, NM_001276347.2); c.196+8_196+9delinsAGCAAAGGAGGCTGAAGGAAGCAAAGGAGGCTGAAGGAAGCAAAGGAGGCTGAAGGTACC (NM_001276346.2); c.199+8_199+9delinsAGCAAAGGAGGCTGAAGGAAGCAAAGGAGGCTGAAGGAAGCAAAGGAGGCTGAAGGTACC (NM_000364.4).
Identifiers: ClinVar variation 928280 (VCV000928280.3), dbSNP rs1659917504, ClinGen allele CA1139655562.